The following is an entry in ClinVar:

ClinVar aggregate classification (germline): Uncertain significance (1 of 4 stars; one submission).

Conditions:
BBS7-related disorder. Also called: BBS7-related condition.

gnomAD v4.1: 1 of 1,602,874 alleles (0.000062%); highest among the groups gnomAD compares: African/African-American, 0.0013%; no homozygotes.

Submission:

PreventionGenetics, part of Exact Sciences
Classification: Uncertain significance for BBS7-related condition. Last evaluated: 2026-02-12. Review status: criteria provided, single submitter. Criteria: ACMG Guidelines, 2015. Collection method: clinical testing. Allele origin: germline.
Comment: The BBS7 c.1766T>C variant is predicted to result in the amino acid substitution p.Ile589Thr. To our knowledge, this variant has not been reported in the literature or in a large population database (gnomAD), indicating this variant is rare. At this time, the clinical significance of this variant is uncertain due to the absence of conclusive functional and genetic evidence.

NM_176824.3(BBS7):c.1766T>C (p.Ile589Thr)

Gene: BBS7 (Bardet-Biedl syndrome 7; minus strand). Cytogenetic location: 4q27.
Variant type: single nucleotide variant.
Coding change: c.1766T>C on transcript NM_176824.3 (MANE Select); coding-DNA position 1766, T replaced by C.
Protein change: p.Ile589Thr; replaces isoleucine 589 with threonine.
Molecular consequence: missense variant.
Genome position (GRCh38, 1-based): chr4:121,828,639, A>G on the plus strand (T>C on the coding strand, the complement: BBS7 is on the minus strand). VCF-style: chr4-121828639-A-G. GRCh37 (hg19) VCF-style: chr4-122749794-A-G.
Other names: c.1766T>C, p.Ile589Thr (NM_018190.4); short protein forms I589T.
Identifiers: ClinVar variation 4991423 (VCV004991423.1).
Genomic context (GRCh38, chr4:121,828,639, plus strand): 5'-AAATAAACATCAGAAAGAATTATTAATTTTGTTTGTTTACCGTATGATATGTTGAGGTTA[A>G]TTTTCCTTTTTGTAGCTTCTTTAGAAAGCACATCTTTTAGGATGGAGATAGTAGAAATGT-3'
Protein context (NP_789794.1, residues 579-599): VLSKEATKRK[Ile589Thr]NLNISYEINE